The following is an entry in ClinVar:

ClinVar aggregate classification (germline): Uncertain significance (1 of 4 stars; one submission).

Submission:

GeneDx
Classification: Uncertain significance. Last evaluated: 2022-10-09. Review status: criteria provided, single submitter. Criteria: GeneDx Variant Classification Process June 2021. Collection method: clinical testing. Allele origin: germline. Affected: yes.
Comment: Frameshift variant predicted to result in protein truncation or nonsense mediated decay in a gene or region of a gene for which loss of function is not a well-established mechanism of disease; Has not been previously published as pathogenic or benign to our knowledge

NM_032656.4(DHX37):c.75dup (p.Glu26fs)

Genes: DHX37 (DEAH-box helicase 37; minus strand), LOC130009166 (ATAC-STARR-seq lymphoblastoid silent region 5073; plus strand). Cytogenetic location: 12q24.31.
Variant type: Duplication.
Coding change: c.75dup on transcript NM_032656.4 (MANE Select); coding-DNA position 75, one base duplicated (C; older notation c.75dupC).
Protein change: p.Glu26fs; shifts the reading frame from glutamic acid 26.
Molecular consequence: frameshift variant.
Genome position (GRCh38, 1-based): chr12:124,988,948, G duplicated on the plus strand (C on the coding strand, the reverse complement: DHX37 is on the minus strand); the first of 7 consecutive G bases (chr12:124,988,948-124,988,954); duplicating any one gives the same sequence. VCF-style (leftmost placement, unchanged base first): chr12-124988947-C-CG. GRCh37 (hg19) VCF-style: chr12-125473493-C-CG.
Other names: short protein forms E26fs.
Identifiers: ClinVar variation 2497815 (VCV002497815.1), dbSNP rs760011886, ClinGen allele CA6872571.